The following is an entry in ClinVar:

ClinVar aggregate classification (germline): Likely benign (1 of 4 stars; one submission).

gnomAD v4.1: 379 of 1,613,666 alleles (0.023%); highest among the groups gnomAD compares: African/African-American, 0.45%; no homozygotes.

Submission:

CeGaT Center for Human Genetics Tuebingen
Classification: Likely benign. Last evaluated: 2026-05-01. Review status: criteria provided, single submitter. Criteria: CeGaT Center For Human Genetics Tuebingen Variant Classification Criteria Version 2. Collection method: clinical testing. Allele origin: germline. Affected: yes. Observed: 1 variant allele.
Comment: CLPS: BP4, BP7

NM_001832.4(CLPS):c.54T>C (p.Ala18=)

Gene: CLPS (colipase; minus strand). Cytogenetic location: 6p21.31.
Variant type: single nucleotide variant.
Coding change: c.54T>C on transcript NM_001832.4 (MANE Select); coding-DNA position 54, T replaced by C.
Protein change: p.Ala18=; no amino-acid change (alanine 18 retained).
Molecular consequence: synonymous variant. On other transcripts: 5 prime UTR variant (1).
Genome position (GRCh38, 1-based): chr6:35,797,235, A>G on the plus strand (T>C on the coding strand, the complement: CLPS is on the minus strand). VCF-style: chr6-35797235-A-G. GRCh37 (hg19) VCF-style: chr6-35765012-A-G.
Other names: c.-87T>C (NM_001252597.2); c.54T>C, p.Ala18= (NM_001252598.2).
Identifiers: ClinVar variation 4872506 (VCV004872506.2).